The following is an entry in ClinVar:

ClinVar aggregate classification (germline): Uncertain significance (1 of 4 stars; one submission).

Conditions:
Hereditary factor IX deficiency disease (HEMB). Also called: PLASMA THROMBOPLASTIN COMPONENT DEFICIENCY; Hemophilia B; F9 DEFICIENCY; FACTOR IX DEFICIENCY; Christmas Disease. Identifiers: Orphanet 98879, MedGen C0008533, MeSH D002836, MONDO:0010604, OMIM 306900.
Thrombophilia, X-linked, due to factor 9 defect. Identifiers: MedGen C2749016, MONDO:0010432, OMIM 300807.

Submission:

Labcorp Genetics (formerly Invitae), Labcorp
Classification: Uncertain significance for Thrombophilia, X-linked, due to factor 9 defect; Hereditary factor IX deficiency disease. Last evaluated: 2021-01-01. Review status: criteria provided, single submitter. Criteria: Invitae Variant Classification Sherloc (09022015). Collection method: clinical testing. Allele origin: germline.
Comment: This variant has not been reported in the literature in individuals with F9-related conditions. Algorithms developed to predict the effect of missense changes on protein structure and function are either unavailable or do not agree on the potential impact of this missense change (SIFT: "Deleterious"; PolyPhen-2: "Possibly Damaging"; Align-GVGD: "Class C0"). In summary, the available evidence is currently insufficient to determine the role of this variant in disease. Therefore, it has been classified as a Variant of Uncertain Significance. This variant is not present in population databases (ExAC no frequency). This sequence change replaces isoleucine with asparagine at codon 15 of the F9 protein (p.Ile15Asn). The isoleucine residue is weakly conserved and there is a large physicochemical difference between isoleucine and asparagine.

NM_000133.4(F9):c.44T>A (p.Ile15Asn)

Gene: F9 (coagulation factor IX; plus strand). Cytogenetic location: Xq27.1.
Variant type: single nucleotide variant.
Coding change: c.44T>A on transcript NM_000133.4 (MANE Select); coding-DNA position 44, T replaced by A.
Protein change: p.Ile15Asn; replaces isoleucine 15 with asparagine.
Molecular consequence: missense variant.
Genome position (GRCh38, 1-based): chrX:139,530,808, T>A. VCF-style: chrX-139530808-T-A. GRCh37 (hg19) VCF-style: chrX-138612967-T-A.
Other names: c.44T>A, p.Ile15Asn (NM_001313913.2); short protein forms I15N.
Identifiers: ClinVar variation 934532 (VCV000934532.9), dbSNP rs1927326780, ClinGen allele CA414434301.